The following is an entry in ClinVar:

ClinVar aggregate classification (germline): Uncertain significance (1 of 4 stars; one submission).

Submission:

Labcorp Genetics (formerly Invitae), Labcorp
Classification: Uncertain significance. Last evaluated: 2022-01-12. Review status: criteria provided, single submitter. Criteria: Invitae Variant Classification Sherloc (09022015). Collection method: clinical testing. Allele origin: germline.
Comment: This variant results in a copy number gain of the genomic region encompassing exon(s) 2-8 of the MLC1 gene. This region includes the initiator codon of the gene. This copy number gain extends beyond the assayed region for this gene and therefore may encompass additional genes. As the precise location of this event is unknown, it may be in tandem or it may be located elsewhere in the genome. This variant has not been reported in the literature in individuals affected with MLC1-related conditions. In summary, the available evidence is currently insufficient to determine the role of this variant in disease. Therefore, it has been classified as a Variant of Uncertain Significance.

NC_000022.10:g.(?_50512625)_(50523373_?)dup

Gene: MLC1 (modulator of VRAC current 1; minus strand). Cytogenetic location: 22q13.33.
Variant type: Duplication.
Identifiers: ClinVar variation 2426089 (VCV002426089.3).